The following is an entry in ClinVar:

ClinVar aggregate classification (germline): Benign. Review status: criteria provided, multiple submitters, no conflicts (2 of 4 stars). 2 submissions from 2 submitters: Benign (2). Last evaluated 2016-03-28.

Allele frequency attached by ClinVar (database versions not stated): 1000 Genomes Project 30x 0.05215; ExAC 0.09041; gnomAD 0.09957 and 0.09555; 1000 Genomes Project 0.05072; ESP Exome Variant Server 0.10795; TOPMed 0.09473.

Submissions (2):

Laboratory for Molecular Medicine, Mass General Brigham Personalized Medicine
Classification: Benign. Last evaluated: 2016-03-28. Review status: criteria provided, single submitter. Criteria: LMM Criteria. Collection method: clinical testing. Allele origin: germline.
Comment: Variant identified in a genome or exome case(s) and assessed due to predicted null impact of the variant or pathogenic assertions in the literature or databases. Disclaimer: This variant has not undergone full assessment. The following are preliminary notes: MAF

Breakthrough Genomics
Classification: Benign. Review status: criteria provided, single submitter. Criteria: ACMG Guidelines, 2015. Collection method: not provided. Allele origin: germline. Inheritance: Unknown mechanism. Affected: yes.

NC_000002.12:g.201289477C>T

Genes: FLACC1 (flagellum associated containing coiled-coil domains 1; minus strand), CASP8 (caspase 8; plus strand). Cytogenetic location: 2q33.1.
Variant type: single nucleotide variant.
Molecular consequence: synonymous variant (on NM_001127391.3). On other transcripts: non-coding transcript variant (1).
Genome position: GRCh38 VCF-style: chr2-201289477-C-T. GRCh37 (hg19) VCF-style: chr2-202154200-C-T.
Other names: c.1122G>A, p.Thr374= (NM_001127391.3, NM_001289993.2); c.1191G>A, p.Thr397= (NM_139163.4).
Identifiers: ClinVar variation 402494 (VCV000402494.6), dbSNP rs17468277, ClinGen allele CA2053882.